The following is an entry in ClinVar:

ClinVar aggregate classification (germline): Pathogenic. Review status: criteria provided, multiple submitters, no conflicts (2 of 4 stars). 2 submissions from 2 submitters: Pathogenic (2). Last evaluated 2026-05-07.

Conditions:
Kleefstra syndrome 2 (KLEFS2). Identifiers: MedGen C4540395, MONDO:0054701, OMIM 617768.

Submissions (2):

Department of Human Genetics, Hannover Medical School
Classification: Pathogenic for Kleefstra syndrome 2. Last evaluated: 2026-05-07. Review status: criteria provided, single submitter. Criteria: ACMG Guidelines, 2015. Collection method: clinical testing. Allele origin: germline. Affected: yes.
Comment: PVS1, PS2_Supporting, PM2_Supporting

GeneDx
Classification: Pathogenic. Last evaluated: 2020-02-16. Review status: criteria provided, single submitter. Criteria: GeneDx Variant Classification Process June 2021. Collection method: clinical testing. Allele origin: germline. Affected: yes.
Comment: Frameshift variant predicted to result in protein truncation or nonsense mediated decay in a gene for which loss-of-function is a known mechanism of disease; Not observed in large population cohorts (Lek et al., 2016); Has not been previously published as pathogenic or benign to our knowledge

NM_170606.3(KMT2C):c.1468del (p.Arg490fs)

Gene: KMT2C (lysine methyltransferase 2C; minus strand). Cytogenetic location: 7q36.1.
Variant type: Deletion.
Coding change: c.1468del on transcript NM_170606.3 (MANE Select); coding-DNA position 1468, one base deleted (A; older notation c.1468delA).
Protein change: p.Arg490fs; shifts the reading frame from arginine 490.
Molecular consequence: frameshift variant.
Genome position (GRCh38, 1-based): chr7:152,252,547, T deleted on the plus strand (A on the coding strand, the reverse complement: KMT2C is on the minus strand); the first of 4 consecutive T bases (chr7:152,252,547-152,252,550); deleting any one gives the same sequence. VCF-style (leftmost placement, unchanged base first): chr7-152252546-CT-C. GRCh37 (hg19) VCF-style: chr7-151949631-CT-C.
Other names: short protein forms R490fs.
Identifiers: ClinVar variation 1216345 (VCV001216345.4), dbSNP rs2129166824, ClinGen allele CA2499218836.
Genomic context (GRCh38, chr7:152,252,546, plus strand): 5'-AAATGACCACATGAATAAAACAATCGACAAAACAACTGAATAGAATAACTATCTTCTTAC[CT>C]TTTGCACATATTACAATGAAGCATGTCTTTCTGCAATTCTGGATGATAACACTTCCCACA-3'